The following is an entry in ClinVar:

ClinVar aggregate classification (germline): Conflicting classifications of pathogenicity. Review status: criteria provided, conflicting classifications (1 of 4 stars). 17 submissions from 17 submitters: Uncertain significance (1); Benign (5); Likely benign (8). 3 of the submissions do not count toward it. Last evaluated 2026-01-19.

Conditions:
Classic or attenuated familial adenomatous polyposis. Identifiers: MedGen CN372698, MONDO:0021057.
APC-Associated Polyposis Disorders.
Hereditary cancer-predisposing syndrome. Also called: Tumor predisposition; Neoplastic Syndromes, Hereditary; Hereditary Cancer Syndrome; Hereditary neoplastic syndrome. Identifiers: Orphanet 140162, MedGen C0027672, MeSH D009386, MONDO:0015356.
Familial adenomatous polyposis 1 (FAP1). Also called: POLYPOSIS, ADENOMATOUS INTESTINAL; FAMILIAL ADENOMATOUS POLYPOSIS 1, ATTENUATED. Identifiers: MedGen C2713442, MONDO:0021056, OMIM 175100. Disease mechanism: loss of function.

Allele frequency attached by ClinVar (database versions not stated): gnomAD 0.00006; TOPMed 0.00006; gnomAD exomes 0.00009; ExAC 0.00011; ESP Exome Variant Server 0.00015.
gnomAD v4.1: 111 of 1,613,620 alleles (0.0069%); highest among the groups gnomAD compares: Non-Finnish European, 0.0091%; no homozygotes.

Submissions (17):

Labcorp Genetics (formerly Invitae), Labcorp
Classification: Benign for Familial adenomatous polyposis 1. Last evaluated: 2026-01-19. Review status: criteria provided, single submitter. Criteria: Invitae Variant Classification Sherloc (09022015). Collection method: clinical testing. Allele origin: germline.

Center for Genomic Medicine, Rigshospitalet, Copenhagen University Hospital
Classification: Likely benign. Last evaluated: 2025-03-04. Review status: criteria provided, single submitter. Criteria: ACMG Guidelines, 2015. Collection method: clinical testing. Allele origin: germline.

Laboratory of Genetics, Children's Clinical University Hospital Latvia
Classification: Benign. Last evaluated: 2025-02-16. Review status: criteria provided, single submitter. Criteria: ACMG Guidelines, 2015. Collection method: clinical testing. Allele origin: germline. Affected: yes.

CeGaT Center for Human Genetics Tuebingen
Classification: Likely benign. Last evaluated: 2024-11-01. Review status: criteria provided, single submitter. Criteria: CeGaT Center For Human Genetics Tuebingen Variant Classification Criteria Version 2. Collection method: clinical testing. Allele origin: germline. Affected: yes. Observed: 3 variant alleles.
Comment: APC: BP4, BP7

Department of Pathology and Laboratory Medicine, Sinai Health System
Classification: Likely benign for classic or attenuated familial adenomatous polyposis. Last evaluated: 2024-08-26. Review status: criteria provided, single submitter. Criteria: ACMG Guidelines, 2015. Collection method: clinical testing. Allele origin: germline.

Blueprint Genetics
Classification: Likely benign. Last evaluated: 2024-05-21. Review status: criteria provided, single submitter. Criteria: ACMG Guidelines, 2015. Collection method: clinical testing. Allele origin: germline.

All of Us Research Program, National Institutes of Health
Classification: Likely benign for Classic or attenuated familial adenomatous polyposis. Last evaluated: 2023-11-30. Review status: criteria provided, single submitter. Criteria: ACMG Guidelines, 2015. Collection method: clinical testing. Allele origin: germline. Inheritance: Autosomal dominant inheritance. Observed: 18 variant alleles, 18 heterozygotes.
Comment: This study involves interpretation of variants in research participants for the purpose of population health screening. Participant phenotype was not available at the time of variant classification. Additional details can be found in publication PMID: 35346344, PMCID: PMC8962531

Myriad Genetics, Inc.
Classification: Benign for Familial adenomatous polyposis 1. Last evaluated: 2023-02-16. Review status: criteria provided, single submitter. Criteria: Myriad Autosomal Dominant, Autosomal Recessive and X-Linked Classification Criteria (2023). Collection method: clinical testing. Allele origin: unknown.
Comment: This variant is considered benign. This variant is a silent/synonymous amino acid change and it is not expected to impact splicing.

Women's Health and Genetics/Laboratory Corporation of America, LabCorp
Classification: Benign. Last evaluated: 2021-04-23. Review status: criteria provided, single submitter. Criteria: LabCorp Variant Classification Summary - May 2015. Collection method: clinical testing. Allele origin: germline.

Sema4
Classification: Likely benign for Hereditary cancer-predisposing syndrome. Last evaluated: 2020-11-16. Review status: criteria provided, single submitter. Criteria: Sema4 Curation Guidelines. Collection method: curation. Allele origin: germline.

Illumina Laboratory Services, Illumina
Classification: Uncertain significance for APC-Associated Polyposis Disorders. Last evaluated: 2018-01-13. Review status: criteria provided, single submitter. Criteria: ICSL Variant Classification Criteria 13 December 2019. Collection method: clinical testing. Allele origin: germline.

Color Diagnostics, LLC DBA Color Health
Classification: Likely benign for Hereditary cancer-predisposing syndrome. Last evaluated: 2016-10-09. Review status: criteria provided, single submitter. Criteria: ACMG Guidelines, 2015. Collection method: clinical testing. Allele origin: germline.

GeneDx
Classification: Benign. Last evaluated: 2015-04-10. Review status: criteria provided, single submitter. Criteria: GeneDx Variant Classification (06012015). Collection method: clinical testing. Allele origin: germline. Affected: yes.
Comment: This variant is considered likely benign or benign based on one or more of the following criteria: it is a conservative change, it occurs at a poorly conserved position in the protein, it is predicted to be benign by multiple in silico algorithms, and/or has population frequency not consistent with disease.

Ambry Genetics
Classification: Likely benign for Hereditary cancer-predisposing syndrome. Last evaluated: 2014-06-25. Review status: criteria provided, single submitter. Criteria: Ambry Variant Classification Scheme 2023. Collection method: clinical testing. Allele origin: germline.

Counsyl
Classification: Likely benign for Familial adenomatous polyposis 1. Last evaluated: 2016-10-03. Review status: no assertion criteria provided. Collection method: clinical testing. Allele origin: unknown. Not counted in ClinVar's aggregate classification.

Clinical Genetics, Academic Medical Center
Classification: Likely benign. Review status: no assertion criteria provided. Collection method: clinical testing. Allele origin: germline. Affected: yes. Study: VKGL Data-share Consensus. Not counted in ClinVar's aggregate classification.

Laboratory of Diagnostic Genome Analysis, Leiden University Medical Center (LUMC)
Classification: Likely benign. Review status: no assertion criteria provided. Collection method: clinical testing. Allele origin: germline. Affected: yes. Study: VKGL Data-share Consensus. Not counted in ClinVar's aggregate classification.

NM_000038.6(APC):c.7929A>G (p.Leu2643=)

Gene: APC (APC regulator of Wnt signaling pathway; plus strand). Cytogenetic location: 5q22.2.
Variant type: single nucleotide variant.
Coding change: c.7929A>G on transcript NM_000038.6 (MANE Select); coding-DNA position 7929, A replaced by G.
Protein change: p.Leu2643=; no amino-acid change (leucine 2643 retained).
Molecular consequence: synonymous variant.
Genome position (GRCh38, 1-based): chr5:112,843,523, A>G. VCF-style: chr5-112843523-A-G. GRCh37 (hg19) VCF-style: chr5-112179220-A-G.
Other names: c.7929A>G, p.Leu2643= (NM_001127510.3, NM_001354895.2); c.7875A>G, p.Leu2625= (NM_001127511.3); c.7983A>G, p.Leu2661= (NM_001354896.2); c.7959A>G, p.Leu2653= (NM_001354897.2); c.7854A>G, p.Leu2618= (NM_001354898.2); c.7845A>G, p.Leu2615= (NM_001354899.2); c.7806A>G, p.Leu2602= (NM_001354900.2); c.7752A>G, p.Leu2584= (NM_001354901.2); and 5 more.
Identifiers: ClinVar variation 185449 (VCV000185449.76), dbSNP rs138796072, ClinGen allele CA014191.